The following is an entry in ClinVar:

NM_000390.4(CHM):c.137A>G (p.Asn46Ser)

Gene: CHM (CHM Rab escort protein; minus strand). Cytogenetic location: Xq21.2.
Variant type: single nucleotide variant.
Coding change: c.137A>G on transcript NM_000390.4 (MANE Select); coding-DNA position 137, A replaced by G.
Protein change: p.Asn46Ser; replaces asparagine 46 with serine.
Molecular consequence: missense variant. On other transcripts: 5 prime UTR variant (4).
Genome position (GRCh38, 1-based): chrX:85,981,789, T>C on the plus strand (A>G on the coding strand, the complement: CHM is on the minus strand). VCF-style: chrX-85981789-T-C. GRCh37 (hg19) VCF-style: chrX-85236793-T-C.
Other names: c.137A>G, p.Asn46Ser (NM_001145414.4); c.-308A>G (NM_001320959.1, NM_001362517.1); c.-304A>G (NM_001362518.2, NM_001362519.1); short protein forms N46S.
Identifiers: ClinVar variation 1478454 (VCV001478454.8), dbSNP rs2147712502, ClinGen allele CA413788353.

ClinVar aggregate classification (germline): Uncertain significance (1 of 4 stars; one submission).

Submission:

Labcorp Genetics (formerly Invitae), Labcorp
Classification: Uncertain significance. Last evaluated: 2025-01-06. Review status: criteria provided, single submitter. Criteria: Invitae Variant Classification Sherloc (09022015). Collection method: clinical testing. Allele origin: germline.
Comment: This sequence change replaces asparagine, which is neutral and polar, with serine, which is neutral and polar, at codon 46 of the CHM protein (p.Asn46Ser). This variant is not present in population databases (gnomAD no frequency). This variant has not been reported in the literature in individuals affected with CHM-related conditions. ClinVar contains an entry for this variant (Variation ID: 1478454). Invitae Evidence Modeling of protein sequence and biophysical properties (such as structural, functional, and spatial information, amino acid conservation, physicochemical variation, residue mobility, and thermodynamic stability) indicates that this missense variant is not expected to disrupt CHM protein function with a negative predictive value of 80%. In summary, the available evidence is currently insufficient to determine the role of this variant in disease. Therefore, it has been classified as a Variant of Uncertain Significance.